The following is an entry in ClinVar:

ClinVar aggregate classification (germline): Uncertain significance (1 of 4 stars; one submission).

Allele frequency attached by ClinVar (database versions not stated): gnomAD exomes below 0.00001; TOPMed below 0.00001; 1000 Genomes Project 30x 0.00016; 1000 Genomes Project 0.00020.
gnomAD v4.1: 11 of 1,613,130 alleles (0.00068%); highest among the groups gnomAD compares: East Asian, 0.0022%; no homozygotes.

Submission:

Labcorp Genetics (formerly Invitae), Labcorp
Classification: Uncertain significance. Last evaluated: 2023-08-11. Review status: criteria provided, single submitter. Criteria: Invitae Variant Classification Sherloc (09022015). Collection method: clinical testing. Allele origin: germline.
Comment: In summary, the available evidence is currently insufficient to determine the role of this variant in disease. Therefore, it has been classified as a Variant of Uncertain Significance. An algorithm developed to predict the effect of missense changes on protein structure and function (PolyPhen-2) suggests that this variant is likely to be tolerated. This variant has not been reported in the literature in individuals affected with RPL18-related conditions. This variant is not present in population databases (gnomAD no frequency). This sequence change replaces arginine, which is basic and polar, with tryptophan, which is neutral and slightly polar, at codon 172 of the RPL18 protein (p.Arg172Trp).

NM_000979.4(RPL18):c.514C>T (p.Arg172Trp)

Gene: RPL18 (ribosomal protein L18; minus strand). Cytogenetic location: 19q13.33.
Variant type: single nucleotide variant.
Coding change: c.514C>T on transcript NM_000979.4 (MANE Select); coding-DNA position 514, C replaced by T.
Protein change: p.Arg172Trp; replaces arginine 172 with tryptophan.
Molecular consequence: missense variant. On other transcripts: non-coding transcript variant (1).
Genome position (GRCh38, 1-based): chr19:48,615,425, G>A on the plus strand (C>T on the coding strand, the complement: RPL18 is on the minus strand). VCF-style: chr19-48615425-G-A. GRCh37 (hg19) VCF-style: chr19-49118682-G-A.
Other names: c.427C>T, p.Arg143Trp (NM_001270490.2); short protein forms R172W, R143W.
Identifiers: ClinVar variation 2875572 (VCV002875572.3), dbSNP rs199925096, ClinGen allele CA309407136.